The following is an entry in ClinVar:

ClinVar aggregate classification (germline): Uncertain significance (1 of 4 stars; one submission).

Conditions:
Developmental and epileptic encephalopathy, 32 (DEE32). Also called: Epileptic encephalopathy, early infantile, 32. Identifiers: Orphanet 442835, MedGen C4225350, MONDO:0014607, OMIM 616366.

Allele frequency attached by ClinVar (database versions not stated): gnomAD exomes 0.00001; TOPMed 0.00001; ExAC 0.00002.
gnomAD v4.1: 6 of 1,614,232 alleles (0.00037%); highest among the groups gnomAD compares: Admixed American, 0.0083%; no homozygotes.

Submission:

Labcorp Genetics (formerly Invitae), Labcorp
Classification: Uncertain significance for Developmental and epileptic encephalopathy, 32. Last evaluated: 2023-05-25. Review status: criteria provided, single submitter. Criteria: Invitae Variant Classification Sherloc (09022015). Collection method: clinical testing. Allele origin: germline.
Comment: This variant is present in population databases (rs756582288, gnomAD 0.01%). This sequence change replaces methionine, which is neutral and non-polar, with threonine, which is neutral and polar, at codon 288 of the KCNA2 protein (p.Met288Thr). This variant has not been reported in the literature in individuals affected with KCNA2-related conditions. ClinVar contains an entry for this variant (Variation ID: 1937386). Advanced modeling of protein sequence and biophysical properties (such as structural, functional, and spatial information, amino acid conservation, physicochemical variation, residue mobility, and thermodynamic stability) performed at Invitae indicates that this missense variant is not expected to disrupt KCNA2 protein function. In summary, the available evidence is currently insufficient to determine the role of this variant in disease. Therefore, it has been classified as a Variant of Uncertain Significance.

NM_004974.4(KCNA2):c.863T>C (p.Met288Thr)

Gene: KCNA2 (potassium voltage-gated channel subfamily A member 2; minus strand). Cytogenetic location: 1p13.3.
Variant type: single nucleotide variant.
Coding change: c.863T>C on transcript NM_004974.4 (MANE Select); coding-DNA position 863, T replaced by C.
Protein change: p.Met288Thr; replaces methionine 288 with threonine.
Molecular consequence: missense variant.
Genome position (GRCh38, 1-based): chr1:110,603,920, A>G on the plus strand (T>C on the coding strand, the complement: KCNA2 is on the minus strand). VCF-style: chr1-110603920-A-G. GRCh37 (hg19) VCF-style: chr1-111146542-A-G.
Other names: c.863T>C, p.Met288Thr (NM_001204269.2); short protein forms M288T.
Identifiers: ClinVar variation 1937386 (VCV001937386.5), dbSNP rs756582288, ClinGen allele CA1000675.
Genomic context (GRCh38, chr1:110,603,920, plus strand): 5'-GACAACTTGAAAATCCTAAAGACTCTTACCAACCGGATGACACGGAGGATGGCCAGTGAC[A>G]TGGCCTGCTGGCCTTGCTGAGCGTCCTCTGGCTTCTCAGCCAACTCTGTCCCCAGGGTGA-3'
Protein context (NP_004965.1, residues 278-298): PEDAQQGQQA[Met288Thr]SLAILRVIRL